The following is an entry in ClinVar:

ClinVar aggregate classification (germline): Conflicting classifications of pathogenicity. Review status: criteria provided, conflicting classifications (1 of 4 stars). 2 submissions from 2 submitters: Uncertain significance (1); Likely benign (1). Last evaluated 2018-01-13.

Conditions:
Familial infantile myoclonic epilepsy (FIME). Also called: TBC1D24-Related Familial Infantile Myoclonic Epilepsy (FIME); Epilepsy, Myoclonic, Infantile. Identifiers: Orphanet 352582, MedGen C0917800, MONDO:0011506, OMIM 605021.

Allele frequency attached by ClinVar (database versions not stated): gnomAD 0.00026 and 0.00024; TOPMed 0.00030; 1000 Genomes Project 0.00040; 1000 Genomes Project 30x 0.00047.
gnomAD v4.1: 78 of 1,493,202 alleles (0.0052%); highest among the groups gnomAD compares: African/African-American, 0.095%; no homozygotes.

Submissions (2):

Illumina Laboratory Services, Illumina
Classification: Uncertain significance for Familial infantile myoclonic epilepsy. Last evaluated: 2018-01-13. Review status: criteria provided, single submitter. Criteria: ICSL Variant Classification Criteria 13 December 2019. Collection method: clinical testing. Allele origin: germline.

GeneDx
Classification: Likely benign. Last evaluated: 2016-12-23. Review status: criteria provided, single submitter. Criteria: GeneDx Variant Classification (06012015). Collection method: clinical testing. Allele origin: germline. Affected: yes.
Comment: This variant is considered likely benign or benign based on one or more of the following criteria: it is a conservative change, it occurs at a poorly conserved position in the protein, it is predicted to be benign by multiple in silico algorithms, and/or has population frequency not consistent with disease.

NM_001199107.2(TBC1D24):c.-99C>G

Gene: TBC1D24 (TBC1 domain family member 24; plus strand). Cytogenetic location: 16p13.3.
Variant type: single nucleotide variant.
Coding change: c.-99C>G on transcript NM_001199107.2 (MANE Select); 99 bases upstream of the start codon, C replaced by G.
Molecular consequence: 5 prime UTR variant.
Genome position (GRCh38, 1-based): chr16:2,496,050, C>G. VCF-style: chr16-2496050-C-G. GRCh37 (hg19) VCF-style: chr16-2546051-C-G.
Other names: c.-99C>G (NM_020705.3).
Identifiers: ClinVar variation 318607 (VCV000318607.5), dbSNP rs540861763, ClinGen allele CA10647224.